The following is an entry in ClinVar:

ClinVar aggregate classification (germline): Uncertain significance. Review status: criteria provided, multiple submitters, no conflicts (2 of 4 stars). 2 submissions from 2 submitters: Uncertain significance (2). Last evaluated 2026-08-28.

Submissions (2):

GeneDx
Classification: Uncertain significance. Last evaluated: 2026-08-28. Review status: criteria provided, single submitter. Criteria: GeneDx Variant Classification Process June 2021. Collection method: clinical testing. Allele origin: germline.
Comment: In-frame deletion of 1 amino acid(s) in a non-repeat region; In silico analysis supports a deleterious effect on protein structure/function; Has not been previously published as pathogenic or benign to our knowledge

Labcorp Genetics (formerly Invitae), Labcorp
Classification: Uncertain significance. Last evaluated: 2021-03-26. Review status: criteria provided, single submitter. Criteria: Invitae Variant Classification Sherloc (09022015). Collection method: clinical testing. Allele origin: germline.
Comment: In summary, the available evidence is currently insufficient to determine the role of this variant in disease. Therefore, it has been classified as a Variant of Uncertain Significance. This variant, c.2560_2562del, results in the deletion of 1 amino acid(s) of the BRWD3 protein (p.Ser855del), but otherwise preserves the integrity of the reading frame. This variant is not present in population databases (ExAC no frequency). This variant has not been reported in the literature in individuals with BRWD3-related conditions. Experimental studies and prediction algorithms are not available or were not evaluated, and the functional significance of this variant is currently unknown.

NM_153252.5(BRWD3):c.2557TCA[1] (p.Ser855del)

Gene: BRWD3 (bromodomain and WD repeat domain containing 3; minus strand). Cytogenetic location: Xq21.1.
Variant type: Microsatellite.
Coding change: c.2557TCA[1] on transcript NM_153252.5 (MANE Select); one copy of the 3-base unit TCA starting at c.2557; the reference has two copies in a row; one copy, 3 bases deleted; also written c.2560_2562del.
Protein change: p.Ser855del; deletes serine 855.
Molecular consequence: inframe deletion.
Genome position (GRCh38, 1-based): chrX:80,704,837-80,704,839, TGA deleted on the plus strand (TCA on the coding strand, the reverse complement: BRWD3 is on the minus strand); deleting any 3 consecutive bases within chrX:80,704,837-80,704,842 gives the same sequence; the position shown is the placement nearest the transcript's 3' end. VCF-style (leftmost placement, unchanged base first): chrX-80704836-TTGA-T. GRCh37 (hg19) VCF-style: chrX-79960335-TTGA-T.
Other names: c.2560_2562del (NM_153252.4); short protein forms S855del.
Identifiers: ClinVar variation 1354085 (VCV001354085.9), dbSNP rs1301923116, ClinGen allele CA878673834.